The following is an entry in ClinVar:

ClinVar aggregate classification (germline): Uncertain significance (1 of 4 stars; one submission).

Conditions:
Neuronal ceroid lipofuscinosis. Also called: Neuronal Ceroid Lipofuscinoses. Identifiers: Orphanet 216, Orphanet 79263, MedGen C0027877, MONDO:0016295. Disease mechanism: loss of function.

Submission:

Labcorp Genetics (formerly Invitae), Labcorp
Classification: Uncertain significance for Neuronal ceroid lipofuscinosis. Last evaluated: 2022-03-10. Review status: criteria provided, single submitter. Criteria: Invitae Variant Classification Sherloc (09022015). Collection method: clinical testing. Allele origin: germline.
Comment: This sequence change replaces leucine, which is neutral and non-polar, with histidine, which is basic and polar, at codon 82 of the CLN5 protein (p.Leu82His). This variant is not present in population databases (gnomAD no frequency). This variant has not been reported in the literature in individuals affected with CLN5-related conditions. Algorithms developed to predict the effect of missense changes on protein structure and function are either unavailable or do not agree on the potential impact of this missense change (SIFT: "Deleterious"; PolyPhen-2: "Probably Damaging"; Align-GVGD: "Class C0"). In summary, the available evidence is currently insufficient to determine the role of this variant in disease. Therefore, it has been classified as a Variant of Uncertain Significance.

NM_006493.4(CLN5):c.98T>A (p.Leu33His)

Genes: CLN5 (CLN5 lysosomal BMP synthase; plus strand), LOC130009913 (ATAC-STARR-seq lymphoblastoid silent region 5414; plus strand). Cytogenetic location: 13q22.3.
Variant type: single nucleotide variant.
Coding change: c.98T>A on transcript NM_006493.4 (MANE Select); coding-DNA position 98, T replaced by A.
Protein change: p.Leu33His; replaces leucine 33 with histidine.
Molecular consequence: missense variant.
Genome position (GRCh38, 1-based): chr13:76,992,196, T>A. VCF-style: chr13-76992196-T-A. GRCh37 (hg19) VCF-style: chr13-77566331-T-A.
Other names: c.98T>A, p.Leu33His (NM_001366624.2); short protein forms L33H, L82H.
Identifiers: ClinVar variation 2151362 (VCV002151362.1), dbSNP rs2501124838, ClinGen allele CA388306566.